The following is an entry in ClinVar:

ClinVar aggregate classification (germline): Uncertain significance (1 of 4 stars; one submission).

Conditions:
Microcephaly, normal intelligence and immunodeficiency (NBS). Also called: IMMUNODEFICIENCY, MICROCEPHALY, AND CHROMOSOMAL INSTABILITY; Immunodeficiency, microcephaly with normal intelligence; BERLIN BREAKAGE SYNDROME; SEEMANOVA SYNDROME II; Ataxia telangiectasia variant V1; Nijmegen breakage syndrome. Identifiers: Orphanet 647, MedGen C0398791, MONDO:0009623, OMIM 251260.

Submission:

Labcorp Genetics (formerly Invitae), Labcorp
Classification: Uncertain significance for Microcephaly, normal intelligence and immunodeficiency. Last evaluated: 2025-04-07. Review status: criteria provided, single submitter. Criteria: Invitae Variant Classification Sherloc (09022015). Collection method: clinical testing. Allele origin: germline.
Comment: This sequence change replaces serine, which is neutral and polar, with asparagine, which is neutral and polar, at codon 355 of the NBN protein (p.Ser355Asn). This variant is not present in population databases (gnomAD no frequency). This variant has not been reported in the literature in individuals affected with NBN-related conditions. ClinVar contains an entry for this variant (Variation ID: 2104848). An algorithm developed to predict the effect of missense changes on protein structure and function (PolyPhen-2) suggests that this variant is likely to be tolerated. In summary, the available evidence is currently insufficient to determine the role of this variant in disease. Therefore, it has been classified as a Variant of Uncertain Significance.

NM_002485.5(NBN):c.1064G>A (p.Ser355Asn)

Gene: NBN (nibrin; minus strand). Cytogenetic location: 8q21.3.
Variant type: single nucleotide variant.
Coding change: c.1064G>A on transcript NM_002485.5 (MANE Select); coding-DNA position 1064, G replaced by A.
Protein change: p.Ser355Asn; replaces serine 355 with asparagine.
Molecular consequence: missense variant.
Genome position (GRCh38, 1-based): chr8:89,958,785, C>T on the plus strand (G>A on the coding strand, the complement: NBN is on the minus strand). VCF-style: chr8-89958785-C-T. GRCh37 (hg19) VCF-style: chr8-90971013-C-T.
Other names: c.818G>A, p.Ser273Asn (NM_001024688.3); short protein forms S273N, S355N.
Identifiers: ClinVar variation 2104848 (VCV002104848.2), dbSNP rs2488260621, ClinGen allele CA371656686.